The following is an entry in ClinVar:

ClinVar aggregate classification (germline): Uncertain significance (1 of 4 stars; one submission).

Allele frequency attached by ClinVar (database versions not stated): ExAC 0.00004; gnomAD exomes 0.00004 and 0.00005; gnomAD 0.00005; TOPMed 0.00007; ESP Exome Variant Server 0.00008; 1000 Genomes Project 30x 0.00016; 1000 Genomes Project 0.00020.
gnomAD v4.1: 72 of 1,613,740 alleles (0.0045%); highest among the groups gnomAD compares: Admixed American, 0.015%; no homozygotes.

Submission:

Labcorp Genetics (formerly Invitae), Labcorp
Classification: Uncertain significance. Last evaluated: 2023-08-10. Review status: criteria provided, single submitter. Criteria: Invitae Variant Classification Sherloc (09022015). Collection method: clinical testing. Allele origin: germline.
Comment: In summary, the available evidence is currently insufficient to determine the role of this variant in disease. Therefore, it has been classified as a Variant of Uncertain Significance. An algorithm developed to predict the effect of missense changes on protein structure and function (PolyPhen-2) suggests that this variant is likely to be disruptive. ClinVar contains an entry for this variant (Variation ID: 1437038). This variant has not been reported in the literature in individuals affected with ATRN-related conditions. This variant is present in population databases (rs139496515, gnomAD 0.01%). This sequence change replaces arginine, which is basic and polar, with tryptophan, which is neutral and slightly polar, at codon 652 of the ATRN protein (p.Arg652Trp).

NM_139321.3(ATRN):c.1954C>T (p.Arg652Trp)

Gene: ATRN (attractin; plus strand). Cytogenetic location: 20p13.
Variant type: single nucleotide variant.
Coding change: c.1954C>T on transcript NM_139321.3 (MANE Select); coding-DNA position 1954, C replaced by T.
Protein change: p.Arg652Trp; replaces arginine 652 with tryptophan.
Molecular consequence: missense variant.
Genome position (GRCh38, 1-based): chr20:3,572,813, C>T. VCF-style: chr20-3572813-C-T. GRCh37 (hg19) VCF-style: chr20-3553460-C-T.
Other names: c.1606C>T, p.Arg536Trp (NM_001207047.3); c.1954C>T, p.Arg652Trp (NM_001323332.2, NM_139322.4); short protein forms R652W, R536W.
Identifiers: ClinVar variation 1437038 (VCV001437038.6), dbSNP rs139496515, ClinGen allele CA9744190.